The following is an entry in ClinVar:

ClinVar aggregate classification (germline): Uncertain significance (1 of 4 stars; one submission).

Conditions:
Alstrom syndrome (ALMS). Identifiers: Orphanet 64, MedGen C0268425, MONDO:0008763, OMIM 203800.

Submission:

Labcorp Genetics (formerly Invitae), Labcorp
Classification: Uncertain significance for Alstrom syndrome. Last evaluated: 2022-10-05. Review status: criteria provided, single submitter. Criteria: Invitae Variant Classification Sherloc (09022015). Collection method: clinical testing. Allele origin: germline.
Comment: In summary, the available evidence is currently insufficient to determine the role of this variant in disease. Therefore, it has been classified as a Variant of Uncertain Significance. Experimental studies and prediction algorithms are not available or were not evaluated, and the functional significance of this variant is currently unknown. This variant has not been reported in the literature in individuals affected with ALMS1-related conditions. This variant is not present in population databases (gnomAD no frequency). This sequence change replaces alanine, which is neutral and non-polar, with proline, which is neutral and non-polar, at codon 2285 of the ALMS1 protein (p.Ala2285Pro).

NM_001378454.1(ALMS1):c.6850G>C (p.Ala2284Pro)

Gene: ALMS1 (ALMS1 centrosome and basal body associated protein; plus strand). Cytogenetic location: 2p13.1.
Variant type: single nucleotide variant.
Coding change: c.6850G>C on transcript NM_001378454.1 (MANE Select); coding-DNA position 6850, G replaced by C.
Protein change: p.Ala2284Pro; replaces alanine 2284 with proline.
Molecular consequence: missense variant.
Genome position (GRCh38, 1-based): chr2:73,453,377, G>C. VCF-style: chr2-73453377-G-C. GRCh37 (hg19) VCF-style: chr2-73680504-G-C.
Other names: c.6853G>C, p.Ala2285Pro (NM_015120.4); short protein forms A2284P, A2285P.
Identifiers: ClinVar variation 1721010 (VCV001721010.5), dbSNP rs753477873, ClinGen allele CA347289684.